The following is an entry in ClinVar:

NM_001035.3(RYR2):c.3793C>G (p.His1265Asp)

Genes: RYR2 (ryanodine receptor 2; plus strand), LOC126806067 (BRD4-independent group 4 enhancer GRCh37_chr1:237753258-237754457; plus strand). Cytogenetic location: 1q43.
Variant type: single nucleotide variant.
Coding change: c.3793C>G on transcript NM_001035.3 (MANE Select); coding-DNA position 3793, C replaced by G.
Protein change: p.His1265Asp; replaces histidine 1265 with aspartic acid.
Molecular consequence: missense variant.
Genome position (GRCh38, 1-based): chr1:237,589,987, C>G. VCF-style: chr1-237589987-C-G. GRCh37 (hg19) VCF-style: chr1-237753287-C-G.
Other names: short protein forms H1265D.
Identifiers: ClinVar variation 3894325 (VCV003894325.1).

ClinVar aggregate classification (germline): Uncertain significance (1 of 4 stars; one submission).

Conditions:
Cardiomyopathy (CMYO). Also called: Cardiomyopathies. Identifiers: Orphanet 167848, MedGen C0878544, MONDO:0004994, HP:0001638. Inheritance: Various modes of inheritance.

Submission:

Color Diagnostics, LLC DBA Color Health
Classification: Uncertain significance for Cardiomyopathy. Last evaluated: 2024-03-24. Review status: criteria provided, single submitter. Criteria: ACMG Guidelines, 2015. Collection method: clinical testing. Allele origin: germline.
Comment: This missense variant replaces histidine with aspartic acid at codon 1265 of the RYR2 protein. Computational prediction suggests that this variant may not impact protein structure and function (internally defined REVEL score threshold <= 0.5, PMID: 27666373). To our knowledge, functional studies have not been reported for this variant. This variant has not been reported in individuals affected with RYR2-related disorders in the literature. This variant has not been identified in the general population by the Genome Aggregation Database (gnomAD). The available evidence is insufficient to determine the role of this variant in disease conclusively. Therefore, this variant is classified as a Variant of Uncertain Significance.